The following is an entry in ClinVar:

ClinVar aggregate classification (germline): Conflicting classifications of pathogenicity. Review status: criteria provided, conflicting classifications (1 of 4 stars). 2 submissions from 2 submitters: Likely pathogenic (1); Uncertain significance (1). Last evaluated 2025-02-05.

Conditions:
Choroideremia. Also called: Chorioretinal scalloped atrophy. Identifiers: Orphanet 180, MedGen C0008525, MONDO:0010557, OMIM 303100, HP:0001139.

Submissions (2):

SingHealth Duke-NUS Institute of Precision Medicine
Classification: Likely pathogenic for Choroideremia. Last evaluated: 2025-02-05. Review status: criteria provided, single submitter. Criteria: PRISM ACMG Classification Criteria. Collection method: clinical testing. Allele origin: germline. Affected: yes.
Comment: REVEL score is 0.937 (PP3_str). Variant is not found in gnomAD exomes or genomes (PM2). CHM variants are specific to the phenotypes for choroideremia (PP4)

Blueprint Genetics
Classification: Uncertain significance. Last evaluated: 2021-11-24. Review status: criteria provided, single submitter. Criteria: ACMG Guidelines, 2015. Collection method: clinical testing. Allele origin: germline.

NM_000390.4(CHM):c.874A>G (p.Lys292Glu)

Gene: CHM (CHM Rab escort protein; minus strand). Cytogenetic location: Xq21.2.
Variant type: single nucleotide variant.
Coding change: c.874A>G on transcript NM_000390.4 (MANE Select); coding-DNA position 874, A replaced by G.
Protein change: p.Lys292Glu; replaces lysine 292 with glutamic acid.
Molecular consequence: missense variant.
Genome position (GRCh38, 1-based): chrX:85,957,921, T>C on the plus strand (A>G on the coding strand, the complement: CHM is on the minus strand). VCF-style: chrX-85957921-T-C. GRCh37 (hg19) VCF-style: chrX-85212926-T-C.
Other names: c.430A>G, p.Lys144Glu (NM_001320959.1, NM_001362517.1, NM_001362518.2 and 1 more transcripts); short protein forms K144E, K292E.
Identifiers: ClinVar variation 3767366 (VCV003767366.2).
Genomic context (GRCh38, chrX:85,957,921, plus strand): 5'-ATTCATCAGGATATTTCTCATATTCCATACAAAATGTAAGAAATTTCATTAGCATTCGCT[T>C]TTCTACCATAGTAAGTTGTTTGCTATTAAAGACATCTGCTCTGGAACACGGAACCTGAAA-3'
Protein context (NP_000381.1, residues 282-302): FNSKQLTMVE[Lys292Glu]RMLMKFLTFC